The following is an entry in ClinVar:

ClinVar aggregate classification (germline): Uncertain significance. Review status: criteria provided, multiple submitters, no conflicts (2 of 4 stars). 2 submissions from 2 submitters: Uncertain significance (2). Last evaluated 2026-07-01.

Conditions:
Distal hereditary motor neuropathy type 2. Identifiers: Orphanet 139525, MedGen C3711384, MeSH C580044, MONDO:0015352.

Allele frequency attached by ClinVar (database versions not stated): gnomAD exomes below 0.00001 and 0.00001; TOPMed below 0.00001; ExAC 0.00001.

Submissions (2):

CeGaT Center for Human Genetics Tuebingen
Classification: Uncertain significance. Last evaluated: 2026-07-01. Review status: criteria provided, single submitter. Criteria: CeGaT Center For Human Genetics Tuebingen Variant Classification Criteria Version 2. Collection method: clinical testing. Allele origin: germline. Affected: yes. Observed: 1 variant allele.

Labcorp Genetics (formerly Invitae), Labcorp
Classification: Uncertain significance for Distal hereditary motor neuropathy type 2. Last evaluated: 2024-01-06. Review status: criteria provided, single submitter. Criteria: Invitae Variant Classification Sherloc (09022015). Collection method: clinical testing. Allele origin: germline.
Comment: This sequence change replaces arginine, which is basic and polar, with tryptophan, which is neutral and slightly polar, at codon 326 of the FBXO38 protein (p.Arg326Trp). This variant is present in population databases (rs763613189, gnomAD 0.01%). This variant has not been reported in the literature in individuals affected with FBXO38-related conditions. ClinVar contains an entry for this variant (Variation ID: 961478). Advanced modeling of protein sequence and biophysical properties (such as structural, functional, and spatial information, amino acid conservation, physicochemical variation, residue mobility, and thermodynamic stability) has been performed at Invitae for this missense variant, however the output from this modeling did not meet the statistical confidence thresholds required to predict the impact of this variant on FBXO38 protein function. In summary, the available evidence is currently insufficient to determine the role of this variant in disease. Therefore, it has been classified as a Variant of Uncertain Significance.

NM_205836.3(FBXO38):c.976C>T (p.Arg326Trp)

Gene: FBXO38 (F-box protein 38; plus strand). Cytogenetic location: 5q32.
Variant type: single nucleotide variant.
Coding change: c.976C>T on transcript NM_205836.3 (MANE Select); coding-DNA position 976, C replaced by T.
Protein change: p.Arg326Trp; replaces arginine 326 with tryptophan.
Molecular consequence: missense variant.
Genome position (GRCh38, 1-based): chr5:148,410,648, C>T. VCF-style: chr5-148410648-C-T. GRCh37 (hg19) VCF-style: chr5-147790211-C-T.
Other names: c.976C>T, p.Arg326Trp (NM_001271723.2, NM_030793.5); short protein forms R326W.
Identifiers: ClinVar variation 961478 (VCV000961478.12), dbSNP rs763613189, ClinGen allele CA3497172.
Genomic context (GRCh38, chr5:148,410,648, plus strand): 5'-TGATGGTTTTTGTTTTACTCTGATATGTTCTCTGTCTTTATTCACAGGTTACATGAAGTT[C>T]GGATCCAGCCTTCCCTAACCAAAGATGGTGTCTTTTCTGCCCTAAAGATGGCAGAGTTGG-3'
Protein context (NP_995308.1, residues 316-336): ITAARRLHEV[Arg326Trp]IQPSLTKDGV